The following is an entry in ClinVar:

NM_014874.4(MFN2):c.299C>G (p.Ala100Gly)

Gene: MFN2 (mitofusin 2; plus strand). Cytogenetic location: 1p36.22.
Variant type: single nucleotide variant.
Coding change: c.299C>G on transcript NM_014874.4 (MANE Select); coding-DNA position 299, C replaced by G.
Protein change: p.Ala100Gly; replaces alanine 100 with glycine.
Molecular consequence: missense variant.
Genome position (GRCh38, 1-based): chr1:11,992,678, C>G. VCF-style: chr1-11992678-C-G. GRCh37 (hg19) VCF-style: chr1-12052735-C-G.
Other names: c.299C>G, p.Ala100Gly (NM_001127660.2); short protein forms A100G.
Identifiers: ClinVar variation 546588 (VCV000546588.51), dbSNP rs1553141707, ClinGen allele CA338462338.
Genomic context (GRCh38, chr1:11,992,678, plus strand): 5'-GTTACCTATCCAAAGTGAGAGGCATCAGTGAGGTGCTGGCTCGGAGGCACATGAAAGTGG[C>G]TTTTTTTGGCCGGTAAGTCCTTGAGGCACCCACCCTTTCTTTCTTCCTGGCTAGGAGGGA-3'
Protein context (NP_055689.1, residues 90-110): EVLARRHMKV[Ala100Gly]FFGRTSNGKS

ClinVar aggregate classification (germline): Conflicting classifications of pathogenicity. Review status: criteria provided, conflicting classifications (1 of 4 stars). 4 submissions from 4 submitters: Pathogenic (1); Likely pathogenic (1); Uncertain significance (1). 1 of the submissions does not count toward it. Last evaluated 2022-10-24.

Conditions:
MFN2-related disorder. Also called: MFN2-related condition; MFN2-related disorders.
Charcot-Marie-Tooth disease type 2. Also called: Charcot-Marie-Tooth type 2. Identifiers: Orphanet 64746, MedGen C0270914, MONDO:0018993.
Charcot-Marie-Tooth disease. Also called: Charcot-Marie-Tooth Neuropathy; Charcot-Marie-Tooth Hereditary Neuropathy. Identifiers: Orphanet 166, MedGen C0007959, MONDO:0015626.

Submissions (4):

Labcorp Genetics (formerly Invitae), Labcorp
Classification: Pathogenic for Charcot-Marie-Tooth disease type 2. Last evaluated: 2022-10-24. Review status: criteria provided, single submitter. Criteria: Invitae Variant Classification Sherloc (09022015). Collection method: clinical testing. Allele origin: germline.
Comment: This sequence change replaces alanine, which is neutral and non-polar, with glycine, which is neutral and non-polar, at codon 100 of the MFN2 protein (p.Ala100Gly). This variant is not present in population databases (gnomAD no frequency). This missense change has been observed in individuals with autosomal dominant Charcot–Marie–Tooth disease (PMID: 16714318, 22492563; Invitae). ClinVar contains an entry for this variant (Variation ID: 546588). Advanced modeling of protein sequence and biophysical properties (such as structural, functional, and spatial information, amino acid conservation, physicochemical variation, residue mobility, and thermodynamic stability) performed at Invitae indicates that this missense variant is expected to disrupt MFN2 protein function. This variant disrupts the p.Ala100 amino acid residue in MFN2. Other variant(s) that disrupt this residue have been observed in individuals with MFN2-related conditions (PMID: 26989944), which suggests that this may be a clinically significant amino acid residue. For these reasons, this variant has been classified as Pathogenic.

Blueprint Genetics
Classification: Likely pathogenic for MFN2-related disorders. Last evaluated: 2021-12-29. Review status: criteria provided, single submitter. Criteria: ACMG Guidelines, 2015. Collection method: clinical testing. Allele origin: germline. Affected: yes. Observed: 2 variant alleles.

CeGaT Center for Human Genetics Tuebingen
Classification: Uncertain significance. Last evaluated: 2017-12-01. Review status: criteria provided, single submitter. Criteria: CeGaT Center For Human Genetics Tuebingen Variant Classification Criteria Version 2. Collection method: clinical testing. Allele origin: germline. Affected: yes. Observed: 1 variant allele.

Inherited Neuropathy Consortium
Classification: Uncertain significance for Charcot-Marie-Tooth disease. Review status: no assertion criteria provided. Collection method: literature only. Allele origin: germline. Affected: yes. Not counted in ClinVar's aggregate classification.

Literature cited by the submitters: PubMed 16714318 (cited by Labcorp Genetics (formerly Invitae), Labcorp and Inherited Neuropathy Consortium); PubMed 22492563 (cited by Labcorp Genetics (formerly Invitae), Labcorp); PubMed 26989944 (cited by Labcorp Genetics (formerly Invitae), Labcorp).